The following is an entry in ClinVar:

ClinVar aggregate classification (germline): Pathogenic (1 of 4 stars; one submission).

Submission:

Labcorp Genetics (formerly Invitae), Labcorp
Classification: Pathogenic. Last evaluated: 2022-10-24. Review status: criteria provided, single submitter. Criteria: Invitae Variant Classification Sherloc (09022015). Collection method: clinical testing. Allele origin: germline.
Comment: This variant is not present in population databases (gnomAD no frequency). For these reasons, this variant has been classified as Pathogenic. ClinVar contains an entry for this variant (Variation ID: 1427016). This variant has not been reported in the literature in individuals affected with GNPAT-related conditions. This sequence change creates a premature translational stop signal (p.Lys136Argfs*4) in the GNPAT gene. It is expected to result in an absent or disrupted protein product. Loss-of-function variants in GNPAT are known to be pathogenic (PMID: 9536089, 21990100).

Literature cited by the submitters: PubMed 9536089; PubMed 21990100.

NM_014236.4(GNPAT):c.407del (p.Lys136fs)

Gene: GNPAT (glyceronephosphate O-acyltransferase; plus strand). Cytogenetic location: 1q42.2.
Variant type: Deletion.
Coding change: c.407del on transcript NM_014236.4 (MANE Select); coding-DNA position 407, one base deleted (A; older notation c.407delA).
Protein change: p.Lys136fs; shifts the reading frame from lysine 136.
Molecular consequence: frameshift variant.
Genome position (GRCh38, 1-based): chr1:231,260,652, A deleted; the last of 2 consecutive A bases (chr1:231,260,651-231,260,652); deleting either gives the same sequence. VCF-style (leftmost placement, unchanged base first): chr1-231260650-GA-G. GRCh37 (hg19) VCF-style: chr1-231396396-GA-G.
Other names: c.224del, p.Lys75fs (NM_001316350.2); short protein forms K75fs, K136fs.
Identifiers: ClinVar variation 1427016 (VCV001427016.6), dbSNP rs2102813310, ClinGen allele CA2573132899.